The following is an entry in ClinVar:

NM_001005242.3(PKP2):c.1478G>T (p.Gly493Val)

Gene: PKP2 (plakophilin 2; minus strand). Cytogenetic location: 12p11.21.
Variant type: single nucleotide variant.
Coding change: c.1478G>T on transcript NM_001005242.3 (MANE Select); coding-DNA position 1478, G replaced by T.
Protein change: p.Gly493Val; replaces glycine 493 with valine.
Molecular consequence: missense variant.
Genome position (GRCh38, 1-based): chr12:32,841,106, C>A on the plus strand (G>T on the coding strand, the complement: PKP2 is on the minus strand). VCF-style: chr12-32841106-C-A. GRCh37 (hg19) VCF-style: chr12-32994040-C-A.
Other names: c.1478G>T, p.Gly493Val (NM_001407161.1, NM_001407155.1, NM_001407156.1); c.1151G>T, p.Gly384Val (NM_001407162.1, NM_001407158.1, NM_001407159.1 and 1 more transcripts); c.1610G>T, p.Gly537Val (NM_004572.4, NM_001407157.1); short protein forms G537V, G384V, G493V.
Identifiers: ClinVar variation 2705292 (VCV002705292.3), dbSNP rs1956587234, ClinGen allele CA384367665.
Genomic context (GRCh38, chr12:32,841,106, plus strand): 5'-TTGTAGAATATGTCAAAATCGAGCAAACCATTTGCTTTTGGGTAGTCTCCTTCAGGCCAC[C>A]CAGAAAAGGGGATGATGATATTCTCCGTCAGCGTAAGCAATGCTTCTGTTATCATGAGAT-3'
Protein context (NP_001005242.2, residues 483-503): LTENIIIPFS[Gly493Val]WPEGDYPKAN

ClinVar aggregate classification (germline): Uncertain significance (1 of 4 stars; one submission).

Conditions:
Arrhythmogenic right ventricular dysplasia 9 (ARVD9). Also called: ARRHYTHMOGENIC RIGHT VENTRICULAR DYSPLASIA, FAMILIAL, 9; Arrhythmogenic Right Ventricular Dysplasia/Cardiomyopathy 9. Identifiers: MedGen C1836906, MONDO:0012180, OMIM 609040.

gnomAD v4.1: 1 of 1,613,656 alleles (0.000062%); highest among the groups gnomAD compares: Non-Finnish European, 0.000085%; no homozygotes.

Submission:

Labcorp Genetics (formerly Invitae), Labcorp
Classification: Uncertain significance for Arrhythmogenic right ventricular dysplasia 9. Last evaluated: 2023-12-24. Review status: criteria provided, single submitter. Criteria: Invitae Variant Classification Sherloc (09022015). Collection method: clinical testing. Allele origin: germline.
Comment: This sequence change replaces glycine, which is neutral and non-polar, with valine, which is neutral and non-polar, at codon 537 of the PKP2 protein (p.Gly537Val). This variant is not present in population databases (gnomAD no frequency). This variant has not been reported in the literature in individuals affected with PKP2-related conditions. An algorithm developed to predict the effect of missense changes on protein structure and function (PolyPhen-2) suggests that this variant is likely to be disruptive. In summary, the available evidence is currently insufficient to determine the role of this variant in disease. Therefore, it has been classified as a Variant of Uncertain Significance.